The following is an entry in ClinVar:

ClinVar aggregate classification (germline): Likely benign (1 of 4 stars; one submission).

Submission:

GeneDx
Classification: Likely benign. Last evaluated: 2016-01-21. Review status: criteria provided, single submitter. Criteria: GeneDx Variant Classification (06012015). Collection method: clinical testing. Allele origin: germline. Affected: yes.
Comment: This variant is considered likely benign or benign based on one or more of the following criteria: it is a conservative change, it occurs at a poorly conserved position in the protein, it is predicted to be benign by multiple in silico algorithms, and/or has population frequency not consistent with disease.

NM_030973.4(MED25):c.1128G>C (p.Val376=)

Gene: MED25 (mediator complex subunit 25; plus strand). Cytogenetic location: 19q13.33.
Variant type: single nucleotide variant.
Coding change: c.1128G>C on transcript NM_030973.4 (MANE Select); coding-DNA position 1128, G replaced by C.
Protein change: p.Val376=; no amino-acid change (valine 376 retained).
Molecular consequence: synonymous variant.
Genome position (GRCh38, 1-based): chr19:49,831,359, G>C. VCF-style: chr19-49831359-G-C. GRCh37 (hg19) VCF-style: chr19-50334616-G-C.
Other names: c.1128G>C, p.Val376= (NM_001378355.1).
Identifiers: ClinVar variation 382518 (VCV000382518.1), dbSNP rs763665593, ClinGen allele CA16608302.